The following is an entry in ClinVar:

NM_000492.4(CFTR):c.1924_1931del (p.Ser642fs)

Gene: CFTR (CF transmembrane conductance regulator; plus strand). Cytogenetic location: 7q31.2.
Variant type: Deletion.
Coding change: c.1924_1931del on transcript NM_000492.4 (MANE Select); coding-DNA positions 1924 to 1931, 8 bases deleted (TCAAAACT; older notation c.1924_1931delTCAAAACT).
Protein change: p.Ser642fs; shifts the reading frame from serine 642.
Molecular consequence: frameshift variant.
Genome position (GRCh38, 1-based): chr7:117,592,091-117,592,098, TCAAAACT deleted. VCF-style (leftmost placement, unchanged base first): chr7-117592090-CTCAAAACT-C. GRCh37 (hg19) VCF-style: chr7-117232144-CTCAAAACT-C.
Other names: short protein forms S642fs.
Identifiers: ClinVar variation 2627145 (VCV002627145.1), dbSNP rs2485109483, ClinGen allele CA2582341949.

ClinVar aggregate classification (germline): Pathogenic (1 of 4 stars; one submission).

Conditions:
Cystic fibrosis (CF). Also called: MUCOVISCIDOSIS. Identifiers: Orphanet 586, MedGen C0010674, MONDO:0009061, OMIM 219700. Disease mechanism: loss of function.

Submission:

Women's Health and Genetics/Laboratory Corporation of America, LabCorp
Classification: Pathogenic for Cystic fibrosis. Last evaluated: 2023-09-07. Review status: criteria provided, single submitter. Criteria: LabCorp Variant Classification Summary - May 2015. Collection method: clinical testing. Allele origin: germline.
Comment: Variant summary: CFTR c.1924_1931delTCAAAACT (p.Ser642HisfsX4) results in a premature termination codon, predicted to cause absence of the protein due to nonsense mediated decay, which is a commonly known mechanism for disease. The variant was absent in 250758 control chromosomes (gnomAD). To our knowledge, no occurrence of c.1924_1931delTCAAAACT in individuals affected with Cystic Fibrosis and no experimental evidence demonstrating its impact on protein function have been reported. No submitters have cited clinical-significance assessments for this variant to ClinVar after 2014. Based on the evidence outlined above, the variant was classified as pathogenic.